The following is an entry in ClinVar:

NM_004995.4(MMP14):c.850+2C>T

Gene: MMP14 (matrix metallopeptidase 14; plus strand). Cytogenetic location: 14q11.2.
Variant type: single nucleotide variant.
Coding change: c.850+2C>T on transcript NM_004995.4 (MANE Select); the canonical splice donor site of the intron after coding-DNA position 850, C replaced by T.
Molecular consequence: splice donor variant.
Genome position (GRCh38, 1-based): chr14:22,843,420, C>T. VCF-style: chr14-22843420-C-T. GRCh37 (hg19) VCF-style: chr14-23312629-C-T.
Identifiers: ClinVar variation 225413 (VCV000225413.6), dbSNP rs757044765, ClinGen allele CA7105260.
Genomic context (GRCh38, chr14:22,843,420, plus strand): 5'-GGACACGGAGAATTTTGTGCTGCCCGATGATGACCGCCGGGGCATCCAGCAACTTTATGG[C>T]GAGTAGTCTACACCCACGCCTGCTCCCTCCTCTGCTGCTTGTTCCCTCCTGGTCTACGCA-3'

ClinVar aggregate classification (germline): Uncertain significance. Review status: criteria provided, multiple submitters, no conflicts (2 of 4 stars). 3 submissions from 3 submitters: Uncertain significance (3). Last evaluated 2025-07-20.

Conditions:
Winchester syndrome (WNCHRS). Identifiers: Orphanet 3460, Orphanet 371428, MedGen C0432289, MONDO:0010201, OMIM 277950.

Allele frequency attached by ClinVar (database versions not stated): gnomAD 0.00001; TOPMed 0.00003; gnomAD exomes 0.00006 and 0.00007; ExAC 0.00008.
gnomAD v4.1: 106 of 1,611,962 alleles (0.0066%); highest among the groups gnomAD compares: East Asian, 0.2%; no homozygotes.

Submissions (3):

Labcorp Genetics (formerly Invitae), Labcorp
Classification: Uncertain significance. Last evaluated: 2025-07-20. Review status: criteria provided, single submitter. Criteria: Invitae Variant Classification Sherloc (09022015). Collection method: clinical testing. Allele origin: germline.
Comment: This sequence change falls in intron 5 of the MMP14 gene. It does not directly change the encoded amino acid sequence of the MMP14 protein. It affects a nucleotide within the consensus splice site. The frequency data for this variant in the population databases is considered unreliable, as metrics indicate poor data quality at this position in the gnomAD database. This variant has not been reported in the literature in individuals affected with MMP14-related conditions. ClinVar contains an entry for this variant (Variation ID: 225413). Variants that disrupt the consensus splice site are a relatively common cause of aberrant splicing (PMID: 17576681, 9536098). In summary, the available evidence is currently insufficient to determine the role of this variant in disease. Therefore, it has been classified as a Variant of Uncertain Significance.

Soonchunhyang University Bucheon Hospital, Soonchunhyang University Medical Center
Classification: Uncertain significance for Winchester syndrome. Last evaluated: 2016-03-18. Review status: criteria provided, single submitter. Criteria: ACMG Guidelines, 2015. Collection method: reference population. Allele origin: germline. Observed: 1 variant allele.

Breakthrough Genomics
Classification: Uncertain significance. Review status: criteria provided, single submitter. Criteria: ACMG Guidelines, 2015. Collection method: not provided. Allele origin: germline. Inheritance: Unknown mechanism. Affected: yes.

Literature cited by the submitters: PubMed 17576681 (cited by Labcorp Genetics (formerly Invitae), Labcorp); PubMed 9536098 (cited by Labcorp Genetics (formerly Invitae), Labcorp); PubMed 22922033 (cited by Soonchunhyang University Bucheon Hospital, Soonchunhyang University Medical Center).